The following is an entry in ClinVar:

ClinVar aggregate classification (germline): Conflicting classifications of pathogenicity. Review status: criteria provided, conflicting classifications (1 of 4 stars). 15 submissions from 15 submitters: Uncertain significance (1); Benign (3); Likely benign (7). 4 of the submissions do not count toward it. Last evaluated 2026-04-01.

Conditions:
LRBA-related disorder. Also called: LRBA-related condition.
Combined immunodeficiency due to LRBA deficiency. Also called: Common variable immunodeficiency 8, with autoimmunity. Identifiers: Orphanet 445018, MedGen C3553512, MONDO:0013863, OMIM 614700.
Hirschsprung disease, susceptibility to, 1 (HSCR1). Also called: RET-Related Hirschsprung Disease. Identifiers: Orphanet 388, MedGen C3888239, MONDO:0007723, OMIM 142623.

Allele frequency attached by ClinVar (database versions not stated): TOPMed 0.00178; gnomAD 0.00216 and 0.00218; gnomAD exomes 0.00221 and 0.00239; ExAC 0.00253; ESP Exome Variant Server 0.00300; 1000 Genomes Project 0.00100; 1000 Genomes Project 30x 0.00109.
gnomAD v4.1: 3,668 of 1,563,408 alleles (0.23%); highest among the groups gnomAD compares: Middle Eastern, 0.45%; 8 homozygotes.

Submissions (15):

CeGaT Center for Human Genetics Tuebingen
Classification: Likely benign. Last evaluated: 2026-04-01. Review status: criteria provided, single submitter. Criteria: CeGaT Center For Human Genetics Tuebingen Variant Classification Criteria Version 2. Collection method: clinical testing. Allele origin: germline. Affected: yes. Observed: 20 variant alleles.
Comment: LRBA: BS2

Women's Health and Genetics/Laboratory Corporation of America, LabCorp
Classification: Likely benign. Last evaluated: 2026-02-11. Review status: criteria provided, single submitter. Criteria: LabCorp Variant Classification Summary - May 2015. Collection method: clinical testing. Allele origin: germline.
Comment: Variant summary: LRBA c.2444A>G (p.Asn815Ser) results in a conservative amino acid change in the encoded protein sequence. Algorithms developed to predict the effect of missense changes on protein structure and function are either unavailable or do not agree on the potential impact of this missense change. The variant allele was found at a frequency of 0.0022 in 250170 control chromosomes, predominantly at a frequency of 0.0038 within the Non-Finnish European subpopulation in the gnomAD database, including 2 homozygotes. The observed variant frequency within Non-Finnish European control individuals in the gnomAD database exceeds the estimated maximal expected allele frequency for disease-causing variants in LRBA. c.2444A>G has been observed in individual(s) affected with Combined immunodeficiency due to LRBA deficiency without strong evidence for causality (Seidel_2015, von Beck_2024). These report(s) do not provide unequivocal conclusions about association of the variant with Combined immunodeficiency due to LRBA deficiency. To our knowledge, no experimental evidence demonstrating an impact on protein function has been reported. The following publications have been ascertained in the context of this evaluation (PMID: 25539626, 39415980). ClinVar contains an entry for this variant (Variation ID: 218542). Based on the evidence outlined above, the variant was classified as likely benign.

Labcorp Genetics (formerly Invitae), Labcorp
Classification: Benign for Combined immunodeficiency due to LRBA deficiency. Last evaluated: 2026-01-25. Review status: criteria provided, single submitter. Criteria: Invitae Variant Classification Sherloc (09022015). Collection method: clinical testing. Allele origin: germline.

GeneDx
Classification: Uncertain significance. Last evaluated: 2026-01-04. Review status: criteria provided, single submitter. Criteria: GeneDx Variant Classification Process June 2021. Collection method: clinical testing. Allele origin: germline. Affected: yes.
Comment: Identified in two consanguinious LRBA-deficient siblings in the published literature with primary immunodeficiency who also had a homozygous frameshift variant in the LRBA gene that was believed to be the cause of their symptoms (PMID: 25539626); Identified in multiple affected relatives in a large pedigree in the published literature with Hirschsprung disease in addition to a relative with functional constipation and multiple unaffected relatives (PMID: 29601828); In silico analysis supports that this missense variant has a deleterious effect on protein structure/function; This variant is associated with the following publications: (PMID: 29601828, 25539626, 39415980, 36920900)

Genomic Medicine Center of Excellence, King Faisal Specialist Hospital and Research Centre
Classification: Likely benign. Last evaluated: 2025-08-18. Review status: criteria provided, single submitter. Criteria: ACMG Guidelines, 2015. Collection method: clinical testing. Allele origin: germline.

ARUP Laboratories, Molecular Genetics and Genomics, ARUP Laboratories
Classification: Likely benign for Combined immunodeficiency due to LRBA deficiency. Last evaluated: 2025-01-17. Review status: criteria provided, single submitter. Criteria: ARUP Molecular Germline Variant Investigation Process 2024. Collection method: clinical testing. Allele origin: germline.

Blueprint Genetics
Classification: Likely benign. Last evaluated: 2024-11-07. Review status: criteria provided, single submitter. Criteria: ACMG Guidelines, 2015. Collection method: clinical testing. Allele origin: germline.

Genetic Services Laboratory, University of Chicago
Classification: Likely benign. Last evaluated: 2019-12-20. Review status: criteria provided, single submitter. Criteria: ACMG Guidelines, 2015. Collection method: clinical testing. Allele origin: germline. Affected: no.

Mayo Clinic Laboratories, Mayo Clinic
Classification: Benign. Last evaluated: 2018-10-18. Review status: criteria provided, single submitter. Criteria: ACMG Guidelines, 2015. Collection method: clinical testing. Allele origin: germline. Observed: 8 variant alleles.

Eurofins Ntd Llc (ga)
Classification: Likely benign. Last evaluated: 2015-12-02. Review status: criteria provided, single submitter. Criteria: EGL Classification Definitions 2015. Collection method: clinical testing. Allele origin: germline. Observed: 1 variant allele, 1 heterozygote.

Genomic Diagnostic Laboratory, Division of Genomic Diagnostics, Children's Hospital of Philadelphia
Classification: Benign. Last evaluated: 2015-07-10. Review status: criteria provided, single submitter. Criteria: DGD Variant Analysis Guidelines. Collection method: clinical testing. Allele origin: unknown.

PreventionGenetics, part of Exact Sciences
Classification: Likely benign for LRBA-related condition. Last evaluated: 2022-05-19. Review status: no assertion criteria provided. Collection method: clinical testing. Allele origin: germline. Not counted in ClinVar's aggregate classification.
Comment: This variant is classified as likely benign based on ACMG/AMP sequence variant interpretation guidelines (Richards et al. 2015 PMID: 25741868, with internal and published modifications).

Clinical Genetics, Erasmus University Medical Center
Classification: Uncertain significance for Hirschsprung disease, susceptibility to, 1. Last evaluated: 2016-11-18. Review status: no assertion criteria provided. Collection method: clinical testing. Allele origin: maternal. Inheritance: Oligogenic inheritance. Affected: yes. Observed: 1 variant allele, 1 heterozygote. Not counted in ClinVar's aggregate classification.

Clinical Genetics DNA and cytogenetics Diagnostics Lab, Erasmus MC, Erasmus Medical Center
Classification: Likely benign. Review status: no assertion criteria provided. Collection method: clinical testing. Allele origin: germline. Affected: yes. Study: VKGL Data-share Consensus. Not counted in ClinVar's aggregate classification.

Genome Diagnostics Laboratory, University Medical Center Utrecht
Classification: Likely benign. Review status: no assertion criteria provided. Collection method: clinical testing. Allele origin: germline. Affected: yes. Study: VKGL Data-share Consensus. Not counted in ClinVar's aggregate classification.

Literature cited by the submitters: PubMed 25539626 (cited by Women's Health and Genetics/Laboratory Corporation of America, LabCorp); PubMed 39415980 (cited by Women's Health and Genetics/Laboratory Corporation of America, LabCorp).

NM_001364905.1(LRBA):c.2444A>G (p.Asn815Ser)

Gene: LRBA (LPS responsive beige-like anchor protein; minus strand). Cytogenetic location: 4q31.3.
Variant type: single nucleotide variant.
Coding change: c.2444A>G on transcript NM_001364905.1 (MANE Select); coding-DNA position 2444, A replaced by G.
Protein change: p.Asn815Ser; replaces asparagine 815 with serine.
Molecular consequence: missense variant.
Genome position (GRCh38, 1-based): chr4:150,870,530, T>C on the plus strand (A>G on the coding strand, the complement: LRBA is on the minus strand). VCF-style: chr4-150870530-T-C. GRCh37 (hg19) VCF-style: chr4-151791682-T-C.
Other names: p.Asn815Ser; c.2444A>G, p.Asn815Ser (NM_001199282.3, NM_001367550.1, NM_006726.5); short protein forms N815S.
Identifiers: ClinVar variation 218542 (VCV000218542.69), dbSNP rs140666848, ClinGen allele CA248871.